The following is an entry in ClinVar:

ClinVar aggregate classification (germline): Likely pathogenic (1 of 4 stars; one submission).

Submission:

GeneDx
Classification: Likely pathogenic. Last evaluated: 2017-05-04. Review status: criteria provided, single submitter. Criteria: GeneDx Variant Classification (06012015). Collection method: clinical testing. Allele origin: germline. Affected: yes.
Comment: The de novo C1434S variant in the KMT2A gene has not been reported previously as a pathogenic variant, nor as a benign variant, to our knowledge. The C1434S variant is not observed in large population cohorts (Lek et al., 2016; 1000 Genomes Consortium et al., 2015; Exome Variant Server). The C1434S variant is a non-conservative amino acid substitution, which is likely to impact secondary protein structure as these residues differ in polarity, charge, size and/or other properties. This substitution occurs at a position that is conserved across species, and in silico analysis predicts this variant is probably damaging to the protein structure/function. We interpret C1434D as a likely pathogenic variant.

NM_001197104.2(KMT2A):c.4301G>C (p.Cys1434Ser)

Gene: KMT2A (lysine methyltransferase 2A; plus strand). Cytogenetic location: 11q23.3.
Variant type: single nucleotide variant.
Coding change: c.4301G>C on transcript NM_001197104.2 (MANE Select); coding-DNA position 4301, G replaced by C.
Protein change: p.Cys1434Ser; replaces cysteine 1434 with serine.
Molecular consequence: missense variant.
Genome position (GRCh38, 1-based): chr11:118,484,944, G>C. VCF-style: chr11-118484944-G-C. GRCh37 (hg19) VCF-style: chr11-118355659-G-C.
Other names: c.4301G>C, p.Cys1434Ser (NM_005933.4); short protein forms C1434S.
Identifiers: ClinVar variation 429266 (VCV000429266.2), dbSNP rs1131691287, ClinGen allele CA382830959.